The following is an entry in ClinVar:

ClinVar aggregate classification (germline): Uncertain significance (1 of 4 stars; one submission).

Allele frequency attached by ClinVar (database versions not stated): ExAC 0.00001; gnomAD 0.00001; gnomAD exomes 0.00001; TOPMed 0.00001.

Submission:

Labcorp Genetics (formerly Invitae), Labcorp
Classification: Uncertain significance. Last evaluated: 2024-08-15. Review status: criteria provided, single submitter. Criteria: Invitae Variant Classification Sherloc (09022015). Collection method: clinical testing. Allele origin: germline.
Comment: This sequence change replaces leucine, which is neutral and non-polar, with proline, which is neutral and non-polar, at codon 1015 of the NLRP1 protein (p.Leu1015Pro). This variant is present in population databases (rs750291127, gnomAD 0.007%). This variant has not been reported in the literature in individuals affected with NLRP1-related conditions. An algorithm developed to predict the effect of missense changes on protein structure and function outputs the following: PolyPhen-2: "Benign". The proline amino acid residue is found in multiple mammalian species, which suggests that this missense change does not adversely affect protein function. In summary, the available evidence is currently insufficient to determine the role of this variant in disease. Therefore, it has been classified as a Variant of Uncertain Significance.

NM_033004.4(NLRP1):c.3044T>C (p.Leu1015Pro)

Gene: NLRP1 (NLR family pyrin domain containing 1; minus strand). Cytogenetic location: 17p13.2.
Variant type: single nucleotide variant.
Coding change: c.3044T>C on transcript NM_033004.4 (MANE Select); coding-DNA position 3044, T replaced by C.
Protein change: p.Leu1015Pro; replaces leucine 1015 with proline.
Molecular consequence: missense variant.
Genome position (GRCh38, 1-based): chr17:5,533,905, A>G on the plus strand (T>C on the coding strand, the complement: NLRP1 is on the minus strand). VCF-style: chr17-5533905-A-G. GRCh37 (hg19) VCF-style: chr17-5437225-A-G.
Other names: c.3044T>C, p.Leu1015Pro (NM_001033053.3, NM_014922.5); c.2954T>C, p.Leu985Pro (NM_033006.4, NM_033007.4); short protein forms L985P, L1015P.
Identifiers: ClinVar variation 2798511 (VCV002798511.3), dbSNP rs750291127, ClinGen allele CA8326959.
Genomic context (GRCh38, chr17:5,533,905, plus strand): 5'-GACCTCCCCCAACCCCTGTCACGATGCTCCCAGCCTTGCCCCTTCAAACTACCTGATCCG[A>G]GTCTCTGCCGCTTGAGTGAGGATGTGCTATTACTCATCTCTCCCGTATCCAGGCCCTCAG-3'
Protein context (NP_127497.1, residues 1005-1025): NSTSSLKRQR[Leu1015Pro]GSERAASHVA